The following is an entry in ClinVar:

NM_000128.4(F11):c.663C>T (p.Pro221=)

Gene: F11 (coagulation factor XI; plus strand). Cytogenetic location: 4q35.2.
Variant type: single nucleotide variant.
Coding change: c.663C>T on transcript NM_000128.4 (MANE Select); coding-DNA position 663, C replaced by T.
Protein change: p.Pro221=; no amino-acid change (proline 221 retained).
Molecular consequence: synonymous variant.
Genome position (GRCh38, 1-based): chr4:186,276,298, C>T. VCF-style: chr4-186276298-C-T. GRCh37 (hg19) VCF-style: chr4-187197452-C-T.
Identifiers: ClinVar variation 752344 (VCV000752344.15), dbSNP rs142846329, ClinGen allele CA3163743.

ClinVar aggregate classification (germline): Benign/Likely benign. Review status: criteria provided, multiple submitters, no conflicts (2 of 4 stars). 4 submissions from 4 submitters: Benign (1); Likely benign (1). 2 of the submissions do not count toward it. Last evaluated 2026-01-05.

Conditions:
Plasma factor XI deficiency.
F11-related disorder. Also called: F11-related condition.

Allele frequency attached by ClinVar (database versions not stated): gnomAD exomes 0.00013 and 0.00030; ExAC 0.00033; 1000 Genomes Project 0.00060; 1000 Genomes Project 30x 0.00062; gnomAD 0.00110 and 0.00120; TOPMed 0.00128; ESP Exome Variant Server 0.00131.
gnomAD v4.1: 370 of 1,614,058 alleles (0.023%); highest among the groups gnomAD compares: African/African-American, 0.42%; no homozygotes.

Submissions (4):

Labcorp Genetics (formerly Invitae), Labcorp
Classification: Benign. Last evaluated: 2026-01-05. Review status: criteria provided, single submitter. Criteria: Invitae Variant Classification Sherloc (09022015). Collection method: clinical testing. Allele origin: germline.

Blueprint Genetics
Classification: Likely benign. Last evaluated: 2024-07-11. Review status: criteria provided, single submitter. Criteria: ACMG Guidelines, 2015. Collection method: clinical testing. Allele origin: germline.

PreventionGenetics, part of Exact Sciences
Classification: Likely benign for F11-related condition. Last evaluated: 2020-01-02. Review status: no assertion criteria provided. Collection method: clinical testing. Allele origin: germline. Not counted in ClinVar's aggregate classification.
Comment: This variant is classified as likely benign based on ACMG/AMP sequence variant interpretation guidelines (Richards et al. 2015 PMID: 25741868, with internal and published modifications).

Natera, Inc.
Classification: Likely benign for Plasma factor XI deficiency. Last evaluated: 2019-10-23. Review status: no assertion criteria provided. Collection method: clinical testing. Allele origin: germline. Not counted in ClinVar's aggregate classification.